The following is an entry in ClinVar:

ClinVar aggregate classification (germline): Uncertain significance (1 of 4 stars; one submission).

Conditions:
Hereditary cancer-predisposing syndrome. Also called: Hereditary neoplastic syndrome; Neoplastic Syndromes, Hereditary; Tumor predisposition; Hereditary Cancer Syndrome. Identifiers: Orphanet 140162, MedGen C0027672, MeSH D009386, MONDO:0015356.

Submission:

Ambry Genetics
Classification: Uncertain significance for Hereditary cancer-predisposing syndrome. Last evaluated: 2025-08-27. Review status: criteria provided, single submitter. Criteria: Ambry Variant Classification Scheme 2023. Collection method: clinical testing. Allele origin: germline.
Comment: The p.T94R variant (also known as c.281C>G), located in coding exon 3 of the MUTYH gene, results from a C to G substitution at nucleotide position 281. The threonine at codon 94 is replaced by arginine, an amino acid with similar properties. This amino acid position is conserved. In addition, this alteration is predicted to be tolerated by in silico analysis. Based on the available evidence, the clinical significance of this variant remains unclear.

NM_001048174.2(MUTYH):c.197C>G (p.Thr66Arg)

Gene: MUTYH (mutY DNA glycosylase; minus strand). Cytogenetic location: 1p34.1.
Variant type: single nucleotide variant.
Coding change: c.197C>G on transcript NM_001048174.2 (MANE Select); coding-DNA position 197, C replaced by G.
Protein change: p.Thr66Arg; replaces threonine 66 with arginine.
Molecular consequence: missense variant. On other transcripts: 5 prime UTR variant (6), non-coding transcript variant (7).
Genome position (GRCh38, 1-based): chr1:45,333,480, G>C on the plus strand (C>G on the coding strand, the complement: MUTYH is on the minus strand). VCF-style: chr1-45333480-G-C. GRCh37 (hg19) VCF-style: chr1-45799152-G-C.
Other names: c.197C>G, p.Thr66Arg (NM_001048171.2, NM_001048173.2, NM_001293195.2 and 6 more transcripts); c.200C>G, p.Thr67Arg (NM_001048172.2, NM_001407071.1, NM_001407078.1 and 2 more transcripts); c.281C>G, p.Thr94Arg (NM_001128425.2); c.242C>G, p.Thr81Arg (NM_001293190.2); c.230C>G, p.Thr77Arg (NM_001293191.2, NM_001407077.1); c.-80C>G (NM_001293192.2, NM_001293196.2, NM_001407091.1); c.-75C>G (NM_001350650.2, NM_001350651.2, NM_001407082.1); c.272C>G, p.Thr91Arg (NM_001407069.1, NM_012222.3); and 3 more; short protein forms T38R, T73R, T94R, T77R, T80R, T81R, T91R, T66R.
Identifiers: ClinVar variation 4113579 (VCV004113579.1).